The following is an entry in ClinVar:

ClinVar aggregate classification (germline): Uncertain significance (1 of 4 stars; one submission).

Conditions:
TTN-related disorder. Also called: TTN-related condition; TTN-related disease; TTN-related disorders.

Submission:

PreventionGenetics, part of Exact Sciences
Classification: Uncertain significance for TTN-related condition. Last evaluated: 2023-05-26. Review status: criteria provided, single submitter. Criteria: ACMG Guidelines, 2015. Collection method: clinical testing. Allele origin: germline.
Comment: The TTN c.52302A>C variant is predicted to result in the amino acid substitution p.Lys17434Asn. To our knowledge, this variant has not been reported in the literature or in a large population database, indicating this variant is rare. At this time, the clinical significance of this variant is uncertain due to the absence of conclusive functional and genetic evidence.

NM_001267550.2(TTN):c.52302A>C (p.Lys17434Asn)

Genes: TTN (titin; minus strand), TTN-AS1 (TTN antisense RNA 1; plus strand). Cytogenetic location: 2q31.2.
Variant type: single nucleotide variant.
Coding change: c.52302A>C on transcript NM_001267550.2 (MANE Select); coding-DNA position 52302, A replaced by C.
Protein change: p.Lys17434Asn; replaces lysine 17434 with asparagine.
Molecular consequence: missense variant.
Genome position (GRCh38, 1-based): chr2:178,608,709, T>G on the plus strand (A>C on the coding strand, the complement: TTN is on the minus strand). VCF-style: chr2-178608709-T-G. GRCh37 (hg19) VCF-style: chr2-179473436-T-G.
Other names: c.47379A>C, p.Lys15793Asn (NM_001256850.1); c.25107A>C, p.Lys8369Asn (NM_003319.4); c.44598A>C, p.Lys14866Asn (NM_133378.4); c.25482A>C, p.Lys8494Asn (NM_133432.3); c.25683A>C, p.Lys8561Asn (NM_133437.4); short protein forms K14866N, K15793N, K17434N, K8369N, K8494N, K8561N.
Identifiers: ClinVar variation 2632614 (VCV002632614.1), dbSNP rs772163329, ClinGen allele CA349575176.